The following is an entry in ClinVar:

NM_004586.3(RPS6KA3):c.1320A>C (p.Ile440=)

Gene: RPS6KA3 (ribosomal protein S6 kinase A3; minus strand). Cytogenetic location: Xp22.12.
Variant type: single nucleotide variant.
Coding change: c.1320A>C on transcript NM_004586.3 (MANE Select); coding-DNA position 1320, A replaced by C.
Protein change: p.Ile440=; no amino-acid change (isoleucine 440 retained).
Molecular consequence: synonymous variant.
Genome position (GRCh38, 1-based): chrX:20,172,779, T>G on the plus strand (A>C on the coding strand, the complement: RPS6KA3 is on the minus strand). VCF-style: chrX-20172779-T-G. GRCh37 (hg19) VCF-style: chrX-20190897-T-G.
Identifiers: ClinVar variation 3353302 (VCV003353302.1).

ClinVar aggregate classification (germline): Likely benign (0 of 4 stars; one submission).

Conditions:
RPS6KA3-related disorder. Also called: RPS6KA3-related condition.

gnomAD v4.1: 8 of 1,203,965 alleles (0.00066%); highest among the groups gnomAD compares: South Asian, 0.014%; no homozygotes.

Submission:

PreventionGenetics, part of Exact Sciences
Classification: Likely benign for RPS6KA3-related condition. Last evaluated: 2022-03-21. Review status: no assertion criteria provided. Collection method: clinical testing. Allele origin: germline.
Comment: This variant is classified as likely benign based on ACMG/AMP sequence variant interpretation guidelines (Richards et al. 2015 PMID: 25741868, with internal and published modifications).